The following is an entry in ClinVar:

NM_144687.4(NLRP12):c.1830C>T (p.Ser610=)

Gene: NLRP12 (NLR family pyrin domain containing 12; minus strand). Cytogenetic location: 19q13.42.
Variant type: single nucleotide variant.
Coding change: c.1830C>T on transcript NM_144687.4 (MANE Select); coding-DNA position 1830, C replaced by T.
Protein change: p.Ser610=; no amino-acid change (serine 610 retained).
Molecular consequence: synonymous variant.
Genome position (GRCh38, 1-based): chr19:53,809,829, G>A on the plus strand (C>T on the coding strand, the complement: NLRP12 is on the minus strand). VCF-style: chr19-53809829-G-A. GRCh37 (hg19) VCF-style: chr19-54313083-G-A.
Other names: c.1830C>T, p.Ser610= (NM_001277126.2, NM_001277129.1).
Identifiers: ClinVar variation 1537506 (VCV001537506.10), dbSNP rs751377595, ClinGen allele CA9639341.

ClinVar aggregate classification (germline): Likely benign. Review status: criteria provided, multiple submitters, no conflicts (2 of 4 stars). 3 submissions from 3 submitters: Likely benign (3). Last evaluated 2026-07-01.

Conditions:
Familial cold autoinflammatory syndrome 2 (FCAS2). Identifiers: Orphanet 247868, MedGen C2673198, MONDO:0012724, OMIM 611762.

Allele frequency attached by ClinVar (database versions not stated): gnomAD exomes below 0.00001; ExAC 0.00001.
gnomAD v4.1: 3 of 1,614,132 alleles (0.00019%); highest among the groups gnomAD compares: Non-Finnish European, 0.00025%; no homozygotes.

Submissions (3):

CeGaT Center for Human Genetics Tuebingen
Classification: Likely benign. Last evaluated: 2026-07-01. Review status: criteria provided, single submitter. Criteria: CeGaT Center For Human Genetics Tuebingen Variant Classification Criteria Version 2. Collection method: clinical testing. Allele origin: germline. Affected: yes. Observed: 1 variant allele.
Comment: NLRP12: BP4, BP7

Labcorp Genetics (formerly Invitae), Labcorp
Classification: Likely benign for Familial cold autoinflammatory syndrome 2. Last evaluated: 2025-10-08. Review status: criteria provided, single submitter. Criteria: Invitae Variant Classification Sherloc (09022015). Collection method: clinical testing. Allele origin: germline.

Blueprint Genetics
Classification: Likely benign. Last evaluated: 2023-02-06. Review status: criteria provided, single submitter. Criteria: ACMG Guidelines, 2015. Collection method: clinical testing. Allele origin: germline.